The following is an entry in ClinVar:

ClinVar aggregate classification (germline): Pathogenic (1 of 4 stars; one submission).

Conditions:
Inborn genetic diseases. Identifiers: MedGen C0950123, MeSH D030342.

Submission:

Ambry Genetics
Classification: Pathogenic for Inborn genetic diseases. Last evaluated: 2025-07-14. Review status: criteria provided, single submitter. Criteria: Ambry Variant Classification Scheme 2023. Collection method: clinical testing. Allele origin: germline.
Comment: The p.Q187* pathogenic mutation (also known as c.559C>T), located in coding exon 1 of the WT1 gene, results from a C to T substitution at nucleotide position 559. This changes the amino acid from a glutamine to a stop codon within coding exon 1. This variant is considered to be rare based on population cohorts in the Genome Aggregation Database (gnomAD). This alteration is expected to result in loss of function by premature protein truncation or nonsense-mediated mRNA decay. As such, this alteration is interpreted as a disease-causing mutation.

NM_024426.6(WT1):c.574C>T (p.Gln192Ter)

Genes: WT1 (WT1 transcription factor; minus strand), LOC107982234 (WT1/WT1-AS bi-directional promoter region; plus strand). Cytogenetic location: 11p13.
Variant type: single nucleotide variant.
Coding change: c.574C>T on transcript NM_024426.6 (MANE Select); coding-DNA position 574, C replaced by T.
Protein change: p.Gln192Ter; replaces glutamine 192 with a stop codon.
Molecular consequence: nonsense. On other transcripts: non-coding transcript variant (2).
Genome position (GRCh38, 1-based): chr11:32,434,787, G>A on the plus strand (C>T on the coding strand, the complement: WT1 is on the minus strand). VCF-style: chr11-32434787-G-A. GRCh37 (hg19) VCF-style: chr11-32456333-G-A.
Other names: c.355C>T, p.Gln119Ter (NM_001429031.1, NM_001429032.1, NM_001429033.1 and 1 more transcripts); c.574C>T, p.Gln192Ter (NM_024424.5, NM_000378.6, NM_001407044.1 and 6 more transcripts); short protein forms Q119*, Q192*, Q187*.
Identifiers: ClinVar variation 4202214 (VCV004202214.1).